The following is an entry in ClinVar:

NM_024312.5(GNPTAB):c.3602+2T>A

Gene: GNPTAB (N-acetylglucosamine-1-phosphate transferase subunits alpha and beta; minus strand). Cytogenetic location: 12q23.2.
Variant type: single nucleotide variant.
Coding change: c.3602+2T>A on transcript NM_024312.5 (MANE Select); the canonical splice donor site of the intron after coding-DNA position 3602, T replaced by A.
Molecular consequence: splice donor variant.
Genome position (GRCh38, 1-based): chr12:101,753,370, A>T on the plus strand (T>A on the coding strand, the complement: GNPTAB is on the minus strand). VCF-style: chr12-101753370-A-T. GRCh37 (hg19) VCF-style: chr12-102147148-A-T.
Identifiers: ClinVar variation 1469320 (VCV001469320.6), dbSNP rs1952850476, ClinGen allele CA386292102.

ClinVar aggregate classification (germline): Likely pathogenic (1 of 4 stars; one submission).

Conditions:
Pseudo-Hurler polydystrophy. Also called: ML III; ML III ALPHA/BETA; Type III Mucolipidosis; ML IIIA; Mucolipidosis III Alpha/Beta; MUCOLIPIDOSIS IIIA. Identifiers: Orphanet 423461, Orphanet 577, MedGen C0033788, MONDO:0018931, OMIM 252600.
Mucolipidosis type II. Also called: ML II ALPHA/BETA; Mucolipidosis 2; ML 2; Inclusion cell disease; Leroy Disease; N-acetylglucosamine 1phosphotransferase deficiency. Identifiers: Orphanet 576, MedGen C2673377, MONDO:0009650, OMIM 252500.

Submission:

Labcorp Genetics (formerly Invitae), Labcorp
Classification: Likely pathogenic for Pseudo-Hurler polydystrophy; Mucolipidosis type II. Last evaluated: 2021-11-14. Review status: criteria provided, single submitter. Criteria: Invitae Variant Classification Sherloc (09022015). Collection method: clinical testing. Allele origin: germline.
Comment: In summary, the currently available evidence indicates that the variant is pathogenic, but additional data are needed to prove that conclusively. Therefore, this variant has been classified as Likely Pathogenic. Algorithms developed to predict the effect of sequence changes on RNA splicing suggest that this variant may disrupt the consensus splice site. This variant has not been reported in the literature in individuals affected with GNPTAB-related conditions. This variant is not present in population databases (gnomAD no frequency). This sequence change affects a donor splice site in intron 19 of the GNPTAB gene. It is expected to disrupt RNA splicing. Variants that disrupt the donor or acceptor splice site typically lead to a loss of protein function (PMID: 16199547), and loss-of-function variants in GNPTAB are known to be pathogenic (PMID: 19617216, 25107912).

Literature cited by the submitters: PubMed 16199547; PubMed 19617216; PubMed 25107912.